The following is an entry in ClinVar:

ClinVar aggregate classification (germline): Uncertain significance. Review status: criteria provided, multiple submitters, no conflicts (2 of 4 stars). 3 submissions from 3 submitters: Uncertain significance (3). Last evaluated 2023-06-30.

Conditions:
Cardiovascular phenotype. Identifiers: MedGen CN230736.
Sitosterolemia (STSL). Also called: PHYTOSTEROLEMIA. Identifiers: Orphanet 2882, MedGen C0342907, MONDO:0008863.

Allele frequency attached by ClinVar (database versions not stated): gnomAD 0.00001 and 0.00002; TOPMed 0.00001; 1000 Genomes Project 0.00020; 1000 Genomes Project 30x 0.00016.
gnomAD v4.1: 30 of 1,614,048 alleles (0.0019%); highest among the groups gnomAD compares: South Asian, 0.0022%; no homozygotes.

Submissions (3):

GeneDx
Classification: Uncertain significance. Last evaluated: 2023-06-30. Review status: criteria provided, single submitter. Criteria: GeneDx Variant Classification Process June 2021. Collection method: clinical testing. Allele origin: germline. Affected: yes.
Comment: In silico analysis supports that this missense variant has a deleterious effect on protein structure/function; Has not been previously published as pathogenic or benign to our knowledge

Ambry Genetics
Classification: Uncertain significance for Cardiovascular phenotype. Last evaluated: 2023-04-16. Review status: criteria provided, single submitter. Criteria: Ambry Variant Classification Scheme 2023. Collection method: clinical testing. Allele origin: germline.
Comment: The p.R314W variant (also known as c.940C>T), located in coding exon 8 of the ABCG5 gene, results from a C to T substitution at nucleotide position 940. The arginine at codon 314 is replaced by tryptophan, an amino acid with dissimilar properties. This amino acid position is conserved. In addition, the in silico prediction for this alteration is inconclusive. Since supporting evidence is limited at this time, the clinical significance of this alteration remains unclear.

Labcorp Genetics (formerly Invitae), Labcorp
Classification: Uncertain significance for Sitosterolemia. Last evaluated: 2022-10-03. Review status: criteria provided, single submitter. Criteria: Invitae Variant Classification Sherloc (09022015). Collection method: clinical testing. Allele origin: germline.
Comment: This sequence change replaces arginine, which is basic and polar, with tryptophan, which is neutral and slightly polar, at codon 314 of the ABCG5 protein (p.Arg314Trp). This variant is present in population databases (rs142971825, gnomAD 0.007%). This variant has not been reported in the literature in individuals affected with ABCG5-related conditions. ClinVar contains an entry for this variant (Variation ID: 1507900). Algorithms developed to predict the effect of missense changes on protein structure and function (SIFT, PolyPhen-2, Align-GVGD) all suggest that this variant is likely to be disruptive. In summary, the available evidence is currently insufficient to determine the role of this variant in disease. Therefore, it has been classified as a Variant of Uncertain Significance.

NM_022436.3(ABCG5):c.940C>T (p.Arg314Trp)

Genes: ABCG5 (ATP binding cassette subfamily G member 5; minus strand), DYNC2LI1 (dynein cytoplasmic 2 light intermediate chain 1; plus strand). Cytogenetic location: 2p21.
Variant type: single nucleotide variant.
Coding change: c.940C>T on transcript NM_022436.3 (MANE Select); coding-DNA position 940, C replaced by T.
Protein change: p.Arg314Trp; replaces arginine 314 with tryptophan.
Molecular consequence: missense variant. On other transcripts: intron variant (2).
Genome position (GRCh38, 1-based): chr2:43,824,397, G>A on the plus strand (C>T on the coding strand, the complement: ABCG5 is on the minus strand). VCF-style: chr2-43824397-G-A. GRCh37 (hg19) VCF-style: chr2-44051536-G-A.
Other names: c.*16-2989G>A (NM_001348913.2, NM_001348912.2); short protein forms R314W.
Identifiers: ClinVar variation 1507900 (VCV001507900.11), dbSNP rs142971825, ClinGen allele CA1636435.
Genomic context (GRCh38, chr2:43,824,397, plus strand): 5'-TTGCTGATTTCTTGTAGGCAGATTCTATCATCTGGACTCTCTTGGAGGTTTCTATTTCCC[G>A]TTCCTTGCTTTGGGTATCCACTGACGTCAGGTCCACTAAAAGTTTTTCCCAAAAGATGTC-3'
Protein context (NP_071881.1, residues 304-324): LTSVDTQSKE[Arg314Trp]EIETSKRVQM